The following is an entry in ClinVar:

NM_001330260.2(SCN8A):c.1511_1512del (p.Leu503_Ser504insTer)

Gene: SCN8A (sodium voltage-gated channel alpha subunit 8; plus strand). Cytogenetic location: 12q13.13.
Variant type: Microsatellite.
Coding change: c.1511_1512del on transcript NM_001330260.2 (MANE Select); coding-DNA positions 1511 to 1512, 2 bases deleted (CT; older notation c.1511_1512delCT).
Protein change: p.Leu503_Ser504insTer.
Molecular consequence: nonsense.
Genome position (GRCh38, 1-based): chr12:51,706,591-51,706,592, CT deleted; deleting any 2 consecutive bases within chr12:51,706,587-51,706,592 gives the same sequence; the c. name uses the placement nearest the transcript's 3' end. VCF-style (leftmost placement, unchanged base first): chr12-51706586-ACT-A. GRCh37 (hg19) VCF-style: chr12-52100370-ACT-A.
Other names: c.1511_1512del, p.Leu503_Ser504insTer (NM_001177984.3, NM_001369788.1, NM_014191.4).
Identifiers: ClinVar variation 1318887 (VCV001318887.8), dbSNP rs2138750473, ClinGen allele CA2580615198.
Genomic context (GRCh38, chr12:51,706,586, plus strand): 5'-ACTCAGCTCAAAGAGTGCAAAGGAAAGACGTAACAGGAGAAAGAAGAGGAAGCAAAAGGA[ACT>A]CTCTGAAGGAGAGGAGAAAGGGGATCCCGAGAAGGTGTTTAAGTCAGAGTCAGAAGATGG-3'

ClinVar aggregate classification (germline): Pathogenic. Review status: criteria provided, multiple submitters, no conflicts (2 of 4 stars). 2 submissions from 2 submitters: Pathogenic (2). Last evaluated 2024-11-05.

Conditions:
Early-infantile DEE. Also called: Early infantile epileptic encephalopathy; Early infantile epileptic encephalopathy with suppression bursts; Ohtahara syndrome. Identifiers: Orphanet 1934, MedGen C0393706, MONDO:0800491.

Submissions (2):

Labcorp Genetics (formerly Invitae), Labcorp
Classification: Pathogenic for Early-infantile DEE. Last evaluated: 2024-11-05. Review status: criteria provided, single submitter. Criteria: Invitae Variant Classification Sherloc (09022015). Collection method: clinical testing. Allele origin: germline.
Comment: This sequence change creates a premature translational stop signal (p.Ser504*) in the SCN8A gene. It is expected to result in an absent or disrupted protein product. Loss-of-function variants in SCN8A are known to be pathogenic (PMID: 19254928, 32651551). This variant is not present in population databases (gnomAD no frequency). This variant has not been reported in the literature in individuals affected with SCN8A-related conditions. ClinVar contains an entry for this variant (Variation ID: 1318887). For these reasons, this variant has been classified as Pathogenic.

GeneDx
Classification: Pathogenic. Last evaluated: 2023-08-15. Review status: criteria provided, single submitter. Criteria: GeneDx Variant Classification Process June 2021. Collection method: clinical testing. Allele origin: germline. Affected: yes.
Comment: Nonsense variant predicted to result in protein truncation or nonsense mediated decay in a gene for which loss of function is a known mechanism of disease; Not observed in large population cohorts (gnomAD); Has not been previously published as pathogenic or benign to our knowledge

Literature cited by the submitters: PubMed 19254928 (cited by Labcorp Genetics (formerly Invitae), Labcorp); PubMed 32651551 (cited by Labcorp Genetics (formerly Invitae), Labcorp).